The following is an entry in ClinVar:

NM_003098.3(SNTA1):c.370G>A (p.Asp124Asn)

Gene: SNTA1 (syntrophin alpha 1; minus strand). Cytogenetic location: 20q11.21.
Variant type: single nucleotide variant.
Coding change: c.370G>A on transcript NM_003098.3 (MANE Select); coding-DNA position 370, G replaced by A.
Protein change: p.Asp124Asn; replaces aspartic acid 124 with asparagine.
Molecular consequence: missense variant.
Genome position (GRCh38, 1-based): chr20:33,438,967, C>T on the plus strand (G>A on the coding strand, the complement: SNTA1 is on the minus strand). VCF-style: chr20-33438967-C-T. GRCh37 (hg19) VCF-style: chr20-32026773-C-T.
Other names: short protein forms D124N.
Identifiers: ClinVar variation 1040676 (VCV001040676.9), dbSNP rs1430826527, ClinGen allele CA408633559.

ClinVar aggregate classification (germline): Uncertain significance. Review status: criteria provided, multiple submitters, no conflicts (2 of 4 stars). 2 submissions from 2 submitters: Uncertain significance (2). Last evaluated 2021-10-21.

Conditions:
Long QT syndrome 12 (LQT12). Identifiers: Orphanet 101016, Orphanet 768, MedGen C2751830, MONDO:0013062, OMIM 612955.
Long QT syndrome (LQTS). Identifiers: MedGen C0023976, MeSH D008133, MONDO:0002442. Disease mechanism: loss of function. Inheritance: Various modes of inheritance.

Allele frequency attached by ClinVar (database versions not stated): gnomAD exomes below 0.00001 and 0.00001.
gnomAD v4.1: 3 of 1,614,210 alleles (0.00019%); highest among the groups gnomAD compares: Non-Finnish European, 0.00025%; no homozygotes.

Submissions (2):

Fulgent Genetics
Classification: Uncertain significance for Long QT syndrome 12. Last evaluated: 2021-10-21. Review status: criteria provided, single submitter. Criteria: ACMG Guidelines, 2015. Collection method: clinical testing. Allele origin: unknown.

Labcorp Genetics (formerly Invitae), Labcorp
Classification: Uncertain significance for Long QT syndrome. Last evaluated: 2014-08-08. Review status: criteria provided, single submitter. Criteria: Invitae Variant Classification Sherloc (09022015). Collection method: clinical testing. Allele origin: germline.
Comment: This substitution affects a highly conserved amino acid. Algorithms developed to predict the effect of missense changes on protein structure and function (SIFT, MutationTaster, AlignGVGD) return conflicting predictions. This sequence change has not been reported in affected patients and has not been reported as a common polymorphism in the population. There is no evidence to indicate that this sequence change is pathogenic. SNTA1 is a candidate gene for long QT syndrome, based on identification of rare missense mutations in long QT syndrome patients. (PMID: 19684871). It is possible that this sequence change represents a benign polymorphism in the SNTA1 gene, although at this time the evidence is insufficient to prove that conclusively.

Literature cited by the submitters: PubMed 19684871 (cited by Labcorp Genetics (formerly Invitae), Labcorp).